The following is an entry in ClinVar:

NM_005251.3(FOXC2):c.583C>G (p.Pro195Ala)

Gene: FOXC2 (forkhead box C2; plus strand). Cytogenetic location: 16q24.1.
Variant type: single nucleotide variant.
Coding change: c.583C>G on transcript NM_005251.3 (MANE Select); coding-DNA position 583, C replaced by G.
Protein change: p.Pro195Ala; replaces proline 195 with alanine.
Molecular consequence: missense variant.
Genome position (GRCh38, 1-based): chr16:86,567,918, C>G. VCF-style: chr16-86567918-C-G. GRCh37 (hg19) VCF-style: chr16-86601524-C-G.
Other names: short protein forms P195A.
Identifiers: ClinVar variation 2762061 (VCV002762061.3), dbSNP rs200751941, ClinGen allele CA8218363.

ClinVar aggregate classification (germline): Uncertain significance (1 of 4 stars; one submission).

Allele frequency attached by ClinVar (database versions not stated): 1000 Genomes Project 30x 0.00031.
gnomAD v4.1: 432 of 1,574,654 alleles (0.027%); highest among the groups gnomAD compares: Non-Finnish European, 0.035%; 1 homozygote.

Submission:

Labcorp Genetics (formerly Invitae), Labcorp
Classification: Uncertain significance. Last evaluated: 2025-08-05. Review status: criteria provided, single submitter. Criteria: Invitae Variant Classification Sherloc (09022015). Collection method: clinical testing. Allele origin: germline.
Comment: This sequence change replaces proline, which is neutral and non-polar, with alanine, which is neutral and non-polar, at codon 195 of the FOXC2 protein (p.Pro195Ala). This variant is present in population databases (rs200751941, gnomAD 0.04%), and has an allele count higher than expected for a pathogenic variant. This missense change has been observed in individual(s) with clinical features of FOXC2-related conditions (PMID: 25093829). ClinVar contains an entry for this variant (Variation ID: 2762061). An algorithm developed to predict the effect of missense changes on protein structure and function (PolyPhen-2) suggests that this variant is likely to be tolerated. In summary, the available evidence is currently insufficient to determine the role of this variant in disease. Therefore, it has been classified as a Variant of Uncertain Significance.

Literature cited by the submitters: PubMed 25093829.